The following is an entry in ClinVar:

ClinVar aggregate classification (germline): Likely benign. Review status: criteria provided, multiple submitters, no conflicts (2 of 4 stars). 2 submissions from 2 submitters: Likely benign (2). Last evaluated 2018-01-12.

Conditions:
Osteogenesis imperfecta type 7 (OI7). Also called: OSTEOGENESIS IMPERFECTA, TYPE IIB; Osteogenesis imperfecta type 2B; OI type 2B; Osteogenesis imperfecta, perinatal lethal autosomal recessive; OI type IIB; OI type 7. Identifiers: MedGen C1853162, MONDO:0012536, OMIM 610682.

Allele frequency attached by ClinVar (database versions not stated): 1000 Genomes Project 0.00699; 1000 Genomes Project 30x 0.00750; gnomAD 0.01370 and 0.01414; TOPMed 0.01432.

Submissions (2):

Illumina Laboratory Services, Illumina
Classification: Likely benign for Osteogenesis imperfecta type 7. Last evaluated: 2018-01-12. Review status: criteria provided, single submitter. Criteria: ICSL Variant Classification Criteria 13 December 2019. Collection method: clinical testing. Allele origin: germline.
Comment: This variant was observed in the ICSL laboratory as part of a predisposition screen in an ostensibly healthy population. It had not been previously curated by ICSL or reported in the Human Gene Mutation Database (HGMD: prior to June 1st, 2018), and was therefore a candidate for classification through an automated scoring system. Utilizing variant allele frequency, disease prevalence and penetrance estimates, and inheritance mode, an automated score was calculated to assess if this variant is too frequent to cause the disease. Based on the score and internal cut-off values, a variant classified as likely benign is not then subjected to further curation. The score for this variant resulted in a classification of likely benign for this disease.

Breakthrough Genomics
Classification: Likely benign. Review status: criteria provided, single submitter. Criteria: ACMG Guidelines, 2015. Collection method: not provided. Allele origin: germline. Inheritance: Autosomal recessive inheritance. Affected: yes.

NM_006371.5(CRTAP):c.*2474T>G

Gene: CRTAP (cartilage associated protein; plus strand). Cytogenetic location: 3p22.3.
Variant type: single nucleotide variant.
Coding change: c.*2474T>G on transcript NM_006371.5 (MANE Select); 2474 bases downstream of the stop codon, T replaced by G.
Molecular consequence: 3 prime UTR variant.
Genome position (GRCh38, 1-based): chr3:33,144,922, T>G. VCF-style: chr3-33144922-T-G. GRCh37 (hg19) VCF-style: chr3-33186414-T-G.
Identifiers: ClinVar variation 903497 (VCV000903497.5), dbSNP rs78745278, ClinGen allele CA72674314.